The following is an entry in ClinVar:

NM_003995.4(NPR2):c.1931G>A (p.Ser644Asn)

Gene: NPR2 (natriuretic peptide receptor 2; plus strand). Cytogenetic location: 9p13.3.
Variant type: single nucleotide variant.
Coding change: c.1931G>A on transcript NM_003995.4 (MANE Select); coding-DNA position 1931, G replaced by A.
Protein change: p.Ser644Asn; replaces serine 644 with asparagine.
Molecular consequence: missense variant.
Genome position (GRCh38, 1-based): chr9:35,805,554, G>A. VCF-style: chr9-35805554-G-A. GRCh37 (hg19) VCF-style: chr9-35805551-G-A.
Other names: c.1940G>A, p.Ser647Asn (NM_001378923.1); short protein forms S644N, S647N.
Identifiers: ClinVar variation 3748225 (VCV003748225.3).

ClinVar aggregate classification (germline): Uncertain significance. Review status: criteria provided, multiple submitters, no conflicts (2 of 4 stars). 2 submissions from 2 submitters: Uncertain significance (2). Last evaluated 2025-07-13.

Conditions:
Acromesomelic dysplasia 1, Maroteaux type (AMD1). Also called: ST. HELENA DYSPLASIA; ACROMESOMELIC DYSPLASIA 1. Identifiers: Orphanet 40, MedGen C1864356, MONDO:0011275, OMIM 602875.
Tall stature-scoliosis-macrodactyly of the great toes syndrome. Also called: Epiphyseal chondrodysplasia, miura type. Identifiers: Orphanet 329191, MedGen C4014690, MONDO:0014401, OMIM 615923.

gnomAD v4.1: 5 of 1,614,200 alleles (0.00031%); highest among the groups gnomAD compares: Middle Eastern, 0.033%; no homozygotes.

Submissions (2):

Labcorp Genetics (formerly Invitae), Labcorp
Classification: Uncertain significance for Tall stature-scoliosis-macrodactyly of the great toes syndrome; Acromesomelic dysplasia 1, Maroteaux type. Last evaluated: 2025-07-13. Review status: criteria provided, single submitter. Criteria: Invitae Variant Classification Sherloc (09022015). Collection method: clinical testing. Allele origin: germline.
Comment: This sequence change replaces serine, which is neutral and polar, with asparagine, which is neutral and polar, at codon 644 of the NPR2 protein (p.Ser644Asn). This variant is present in population databases (no rsID available, gnomAD 0.0009%). This variant has not been reported in the literature in individuals affected with NPR2-related conditions. ClinVar contains an entry for this variant (Variation ID: 3748225). Invitae Evidence Modeling of protein sequence and biophysical properties (such as structural, functional, and spatial information, amino acid conservation, physicochemical variation, residue mobility, and thermodynamic stability) indicates that this missense variant is not expected to disrupt NPR2 protein function with a negative predictive value of 80%. In summary, the available evidence is currently insufficient to determine the role of this variant in disease. Therefore, it has been classified as a Variant of Uncertain Significance.

Blueprint Genetics
Classification: Uncertain significance. Last evaluated: 2021-05-17. Review status: criteria provided, single submitter. Criteria: ACMG Guidelines, 2015. Collection method: clinical testing. Allele origin: germline.